The following is an entry in ClinVar:

NM_002979.5(SCP2):c.1076C>T (p.Ala359Val)

Gene: SCP2 (sterol carrier protein 2; plus strand). Cytogenetic location: 1p32.3.
Variant type: single nucleotide variant.
Coding change: c.1076C>T on transcript NM_002979.5 (MANE Select); coding-DNA position 1076, C replaced by T.
Protein change: p.Ala359Val; replaces alanine 359 with valine.
Molecular consequence: missense variant.
Genome position (GRCh38, 1-based): chr1:52,988,131, C>T. VCF-style: chr1-52988131-C-T. GRCh37 (hg19) VCF-style: chr1-53453803-C-T.
Other names: c.944C>T, p.Ala315Val (NM_001007098.3, NM_001193600.2); c.1004C>T, p.Ala335Val (NM_001193599.2); c.833C>T, p.Ala278Val (NM_001193617.2); c.1076C>T, p.Ala359Val (NM_001330587.2); c.1076C>T (NM_002979.4); short protein forms A278V, A335V, A315V, A359V.
Identifiers: ClinVar variation 1356008 (VCV001356008.8), dbSNP rs201780891, ClinGen allele CA22586990.

ClinVar aggregate classification (germline): Uncertain significance. Review status: criteria provided, multiple submitters, no conflicts (2 of 4 stars). 3 submissions from 3 submitters: Uncertain significance (3). Last evaluated 2026-05-19.

Allele frequency attached by ClinVar (database versions not stated): gnomAD exomes below 0.00001; gnomAD 0.00001; TOPMed 0.00005.
gnomAD v4.1: 5 of 1,496,482 alleles (0.00033%); highest among the groups gnomAD compares: Admixed American, 0.0084%; no homozygotes.

Submissions (3):

GeneDx
Classification: Uncertain significance. Last evaluated: 2026-05-19. Review status: criteria provided, single submitter. Criteria: GeneDx Variant Classification Process June 2021. Collection method: clinical testing. Allele origin: germline.
Comment: Not observed at significant frequency in large population cohorts (gnomAD); In silico analysis supports that this missense variant has a deleterious effect on protein structure/function; Has not been previously published as pathogenic or benign to our knowledge

Ambry Genetics
Classification: Uncertain significance. Last evaluated: 2024-08-19. Review status: criteria provided, single submitter. Criteria: Ambry Variant Classification Scheme 2023. Collection method: clinical testing. Allele origin: germline.

Labcorp Genetics (formerly Invitae), Labcorp
Classification: Uncertain significance. Last evaluated: 2022-10-25. Review status: criteria provided, single submitter. Criteria: Invitae Variant Classification Sherloc (09022015). Collection method: clinical testing. Allele origin: germline.
Comment: This variant has not been reported in the literature in individuals affected with SCP2-related conditions. This sequence change replaces alanine, which is neutral and non-polar, with valine, which is neutral and non-polar, at codon 359 of the SCP2 protein (p.Ala359Val). This variant is not present in population databases (gnomAD no frequency). ClinVar contains an entry for this variant (Variation ID: 1356008). Algorithms developed to predict the effect of missense changes on protein structure and function (SIFT, PolyPhen-2, Align-GVGD) all suggest that this variant is likely to be disruptive. In summary, the available evidence is currently insufficient to determine the role of this variant in disease. Therefore, it has been classified as a Variant of Uncertain Significance.